The following is an entry in ClinVar:

ClinVar aggregate classification (germline): Uncertain significance (1 of 4 stars; one submission).

Conditions:
Singleton-Merten syndrome 1 (SGMRT1). Also called: Widened medullary cavities of bone, aortic calcification, abnormal dentition, and muscular weakness; Syndrome of widened medullary cavities of the metacarpals and phalanges, aortic calcification and abnormal dentition. Identifiers: Orphanet 85191, MedGen C4225427, MONDO:0024535, OMIM 182250.
Aicardi-Goutieres syndrome 7 (AGS7). Identifiers: Orphanet 51, MedGen C3888244, MONDO:0014367, OMIM 615846.

Allele frequency attached by ClinVar (database versions not stated): gnomAD exomes 0.00003 and 0.00002; gnomAD 0.00001; ExAC 0.00002.
gnomAD v4.1: 34 of 1,600,178 alleles (0.0021%); highest among the groups gnomAD compares: Middle Eastern, 0.066%; no homozygotes.

Submission:

Labcorp Genetics (formerly Invitae), Labcorp
Classification: Uncertain significance for Aicardi-Goutieres syndrome 7; Singleton-Merten syndrome 1. Last evaluated: 2026-01-05. Review status: criteria provided, single submitter. Criteria: Invitae Variant Classification Sherloc (09022015). Collection method: clinical testing. Allele origin: germline.
Comment: This sequence change replaces valine, which is neutral and non-polar, with isoleucine, which is neutral and non-polar, at codon 810 of the IFIH1 protein (p.Val810Ile). This variant is present in population databases (rs763479773, gnomAD 0.01%). This variant has not been reported in the literature in individuals affected with IFIH1-related conditions. ClinVar contains an entry for this variant (Variation ID: 857685). Invitae Evidence Modeling of protein sequence and biophysical properties (such as structural, functional, and spatial information, amino acid conservation, physicochemical variation, residue mobility, and thermodynamic stability) has been performed for this missense variant. However, the output from this modeling did not meet the statistical confidence thresholds required to predict the impact of this variant on IFIH1 protein function. In summary, the available evidence is currently insufficient to determine the role of this variant in disease. Therefore, it has been classified as a Variant of Uncertain Significance.

NM_022168.4(IFIH1):c.2428G>A (p.Val810Ile)

Gene: IFIH1 (interferon induced with helicase C domain 1; minus strand). Cytogenetic location: 2q24.2.
Variant type: single nucleotide variant.
Coding change: c.2428G>A on transcript NM_022168.4 (MANE Select); coding-DNA position 2428, G replaced by A.
Protein change: p.Val810Ile; replaces valine 810 with isoleucine.
Molecular consequence: missense variant.
Genome position (GRCh38, 1-based): chr2:162,273,821, C>T on the plus strand (G>A on the coding strand, the complement: IFIH1 is on the minus strand). VCF-style: chr2-162273821-C-T. GRCh37 (hg19) VCF-style: chr2-163130331-C-T.
Other names: short protein forms V810I.
Identifiers: ClinVar variation 857685 (VCV000857685.9), dbSNP rs763479773, ClinGen allele CA1934195.